The following is an entry in ClinVar:

ClinVar aggregate classification (germline): Uncertain significance (1 of 4 stars; one submission).

Submission:

GeneDx
Classification: Uncertain significance. Last evaluated: 2025-08-15. Review status: criteria provided, single submitter. Criteria: GeneDx Variant Classification Process June 2021. Collection method: clinical testing. Allele origin: germline. Affected: yes.
Comment: Not observed at significant frequency in large population cohorts (gnomAD); Has not been previously published as pathogenic or benign to our knowledge; Reported using an alternate transcript of the gene; Canonical splice site variant in a gene for which loss-of-function is not an established mechanism of disease

NM_018896.5(CACNA1G):c.4705+22G>T

Gene: CACNA1G (calcium voltage-gated channel subunit alpha1 G; plus strand). Cytogenetic location: 17q21.33.
Variant type: single nucleotide variant.
Coding change: c.4705+22G>T on transcript NM_018896.5 (MANE Select); 22 bases into the intron after coding-DNA position 4705, G replaced by T.
Molecular consequence: intron variant. On other transcripts: splice donor variant (13).
Genome position (GRCh38, 1-based): chr17:50,608,041, G>T. VCF-style: chr17-50608041-G-T. GRCh37 (hg19) VCF-style: chr17-48685402-G-T.
Other names: c.4726+1G>T (NM_001256325.2, NM_198377.3, NM_198380.3 and 2 more transcripts); c.4705+22G>T (NM_198385.3, NM_198384.3, NM_001256333.2 and 4 more transcripts); c.4651+1G>T (NM_001256360.2); c.4645+1G>T (NM_001256361.2); c.4624+22G>T (NM_001256359.2); c.4624+1G>T (NM_001256326.2, NM_001256330.2); c.4603+22G>T (NM_001256329.2, NM_001256331.2); c.4657+1G>T (NM_198396.3, NM_198379.3, NM_198387.3 and 1 more transcripts); and 2 more.
Identifiers: ClinVar variation 4795273 (VCV004795273.1).